The following is an entry in ClinVar:

ClinVar aggregate classification (germline): Uncertain significance (1 of 4 stars; one submission).

Conditions:
Familial thoracic aortic aneurysm and aortic dissection (TAAD). Also called: Thoracic aortic aneurysms and dissections. Identifiers: Orphanet 91387, MedGen C4707243, MONDO:0019625.

Submission:

Color Diagnostics, LLC DBA Color Health
Classification: Uncertain significance for Familial thoracic aortic aneurysm and aortic dissection. Last evaluated: 2025-05-25. Review status: criteria provided, single submitter. Criteria: ACMG Guidelines, 2015. Collection method: clinical testing. Allele origin: germline.
Comment: This missense variant replaces threonine with proline at codon 721 of the COL3A1 protein. Computational prediction suggests that this variant may not impact protein structure and function. To our knowledge, functional studies have not been reported for this variant. This variant has not been reported in individuals affected with COL3A1-related disorders in the literature. This variant has not been identified in the general population by the Genome Aggregation Database (gnomAD). The available evidence is insufficient to determine the role of this variant in disease conclusively. Therefore, this variant is classified as a Variant of Uncertain Significance.

NM_000090.4(COL3A1):c.2161A>C (p.Thr721Pro)

Gene: COL3A1 (collagen type III alpha 1 chain; plus strand). Cytogenetic location: 2q32.2.
Variant type: single nucleotide variant.
Coding change: c.2161A>C on transcript NM_000090.4 (MANE Select); coding-DNA position 2161, A replaced by C.
Protein change: p.Thr721Pro; replaces threonine 721 with proline.
Molecular consequence: missense variant.
Genome position (GRCh38, 1-based): chr2:188,999,509, A>C. VCF-style: chr2-188999509-A-C. GRCh37 (hg19) VCF-style: chr2-189864235-A-C.
Other names: short protein forms T721P.
Identifiers: ClinVar variation 4758696 (VCV004758696.1).